The following is an entry in ClinVar:

NM_000138.5(FBN1):c.1560G>C (p.Gln520His)

Gene: FBN1 (fibrillin 1; minus strand). Cytogenetic location: 15q21.1.
Variant type: single nucleotide variant.
Coding change: c.1560G>C on transcript NM_000138.5 (MANE Select); coding-DNA position 1560, G replaced by C.
Protein change: p.Gln520His; replaces glutamine 520 with histidine.
Molecular consequence: missense variant.
Genome position (GRCh38, 1-based): chr15:48,513,577, C>G on the plus strand (G>C on the coding strand, the complement: FBN1 is on the minus strand). VCF-style: chr15-48513577-C-G. GRCh37 (hg19) VCF-style: chr15-48805774-C-G.
Other names: c.1560G>C (NM_000138.4); short protein forms Q520H.
Identifiers: ClinVar variation 1519683 (VCV001519683.12), dbSNP rs143253318, ClinGen allele CA044965.

ClinVar aggregate classification (germline): Uncertain significance. Review status: criteria provided, multiple submitters, no conflicts (2 of 4 stars). 6 submissions from 6 submitters: Uncertain significance (6). Last evaluated 2025-06-19.

Conditions:
Marfan syndrome (MFS). Also called: MARFAN SYNDROME, TYPE I; Marfan syndrome type 1; Marfan's syndrome; Marfan syndrome, classic; FBN1-Related Marfan Syndrome. Identifiers: Orphanet 284963, Orphanet 558, MedGen C0024796, MONDO:0007947, OMIM 154700.
Familial thoracic aortic aneurysm and aortic dissection (TAAD). Also called: Thoracic aortic aneurysms and dissections. Identifiers: Orphanet 91387, MedGen C4707243, MONDO:0019625.

Allele frequency attached by ClinVar (database versions not stated): ExAC 0.00001; gnomAD 0.00001; gnomAD exomes 0.00001 and below 0.00001; ESP Exome Variant Server 0.00008; TOPMed below 0.00001.
gnomAD v4.1: 3 of 1,613,916 alleles (0.00019%); highest among the groups gnomAD compares: Non-Finnish European, 0.00017%; no homozygotes.

Submissions (6):

Color Diagnostics, LLC DBA Color Health
Classification: Uncertain significance for Familial thoracic aortic aneurysm and aortic dissection. Last evaluated: 2025-06-19. Review status: criteria provided, single submitter. Criteria: ACMG Guidelines, 2015. Collection method: clinical testing. Allele origin: germline.
Comment: This missense variant replaces glutamine with histidine at codon 520 of the FBN1 protein. Computational prediction tool is inconclusive regarding the impact of this variant on protein structure and function. To our knowledge, functional studies have not been reported for this variant. This variant has not been reported in individuals affected with FBN1-related disorders in the literature. This variant has been identified in 2/251340 chromosomes in the general population by the Genome Aggregation Database (gnomAD). The available evidence is insufficient to determine the role of this variant in disease conclusively. Therefore, this variant is classified as a Variant of Uncertain Significance.

Ambry Genetics
Classification: Uncertain significance for Familial thoracic aortic aneurysm and aortic dissection. Last evaluated: 2025-01-29. Review status: criteria provided, single submitter. Criteria: Ambry Variant Classification Scheme 2023. Collection method: clinical testing. Allele origin: germline.
Comment: The p.Q520H variant (also known as c.1560G>C), located in coding exon 12 of the FBN1 gene, results from a G to C substitution at nucleotide position 1560. The glutamine at codon 520 is replaced by histidine, an amino acid with highly similar properties. This amino acid position is highly conserved in available vertebrate species. In addition, the in silico prediction for this alteration is inconclusive. Based on the available evidence, the clinical significance of this variant remains unclear.

All of Us Research Program, National Institutes of Health
Classification: Uncertain significance for Marfan syndrome. Last evaluated: 2023-08-28. Review status: criteria provided, single submitter. Criteria: ACMG Guidelines, 2015. Collection method: clinical testing. Allele origin: germline. Inheritance: Autosomal dominant inheritance. Observed: 3 variant alleles, 3 heterozygotes.
Comment: This missense variant replaces glutamine with histidine at codon 520 of the FBN1 protein. Computational prediction is inconclusive regarding the impact of this variant on protein structure and function (internally defined REVEL score threshold 0.5 < inconclusive < 0.7, PMID: 27666373). To our knowledge, functional studies have not been reported for this variant. This variant has not been reported in individuals affected with FBN1-related disorders in the literature. This variant has been identified in 2/251340 chromosomes in the general population by the Genome Aggregation Database (gnomAD). The available evidence is insufficient to determine the role of this variant in disease conclusively. Therefore, this variant is classified as a Variant of Uncertain Significance.

This study involves interpretation of variants in research participants for the purpose of population health screening. Participant phenotype was not available at the time of variant classification. Additional details can be found in publication PMID: 35346344, PMCID: PMC8962531

Labcorp Genetics (formerly Invitae), Labcorp
Classification: Uncertain significance for Marfan syndrome; Familial thoracic aortic aneurysm and aortic dissection. Last evaluated: 2023-07-12. Review status: criteria provided, single submitter. Criteria: Invitae Variant Classification Sherloc (09022015). Collection method: clinical testing. Allele origin: germline.
Comment: This missense change has been observed in individual(s) with clinical features of FBN1-related conditions (Invitae). This sequence change replaces glutamine, which is neutral and polar, with histidine, which is basic and polar, at codon 520 of the FBN1 protein (p.Gln520His). This variant is present in population databases (rs143253318, gnomAD 0.002%). ClinVar contains an entry for this variant (Variation ID: 1519683). Advanced modeling of protein sequence and biophysical properties (such as structural, functional, and spatial information, amino acid conservation, physicochemical variation, residue mobility, and thermodynamic stability) has been performed at Invitae for this missense variant, however the output from this modeling did not meet the statistical confidence thresholds required to predict the impact of this variant on FBN1 protein function. In summary, the available evidence is currently insufficient to determine the role of this variant in disease. Therefore, it has been classified as a Variant of Uncertain Significance.

Revvity Omics, Revvity
Classification: Uncertain significance. Last evaluated: 2021-12-02. Review status: criteria provided, single submitter. Criteria: ACMG Guidelines, 2015. Collection method: clinical testing. Allele origin: germline.

Blueprint Genetics
Classification: Uncertain significance. Last evaluated: 2019-03-12. Review status: criteria provided, single submitter. Criteria: ACMG Guidelines, 2015. Collection method: clinical testing. Allele origin: germline.